The following is an entry in ClinVar:

NM_018089.3(ANKZF1):c.1109G>A (p.Arg370Lys)

Gene: ANKZF1 (ankyrin repeat and zinc finger peptidyl tRNA hydrolase 1; plus strand). Cytogenetic location: 2q35.
Variant type: single nucleotide variant.
Coding change: c.1109G>A on transcript NM_018089.3 (MANE Select); coding-DNA position 1109, G replaced by A.
Protein change: p.Arg370Lys; replaces arginine 370 with lysine.
Molecular consequence: missense variant.
Genome position (GRCh38, 1-based): chr2:219,234,193, G>A. VCF-style: chr2-219234193-G-A. GRCh37 (hg19) VCF-style: chr2-220098915-G-A.
Other names: c.1109G>A, p.Arg370Lys (NM_001042410.2); c.479G>A, p.Arg160Lys (NM_001282792.2); short protein forms R160K, R370K.
Identifiers: ClinVar variation 2127014 (VCV002127014.4), dbSNP rs113233400, ClinGen allele CA2120972.

ClinVar aggregate classification (germline): Uncertain significance (1 of 4 stars; one submission).

Allele frequency attached by ClinVar (database versions not stated): gnomAD exomes below 0.00001; ExAC 0.00001.
gnomAD v4.1: 1 of 1,614,134 alleles (0.000062%); highest among the groups gnomAD compares: Non-Finnish European, 0.000085%; no homozygotes.

Submission:

Labcorp Genetics (formerly Invitae), Labcorp
Classification: Uncertain significance. Last evaluated: 2022-04-16. Review status: criteria provided, single submitter. Criteria: Invitae Variant Classification Sherloc (09022015). Collection method: clinical testing. Allele origin: germline.
Comment: In summary, the available evidence is currently insufficient to determine the role of this variant in disease. Therefore, it has been classified as a Variant of Uncertain Significance. Algorithms developed to predict the effect of sequence changes on RNA splicing suggest that this variant may disrupt the consensus splice site. Algorithms developed to predict the effect of missense changes on protein structure and function output the following: SIFT: "Tolerated"; PolyPhen-2: "Benign"; Align-GVGD: "Class C0". The lysine amino acid residue is found in multiple mammalian species, which suggests that this missense change does not adversely affect protein function. This variant has not been reported in the literature in individuals affected with ANKZF1-related conditions. This variant is present in population databases (rs113233400, gnomAD 0.0009%). This sequence change replaces arginine, which is basic and polar, with lysine, which is basic and polar, at codon 370 of the ANKZF1 protein (p.Arg370Lys).